The following is an entry in ClinVar:

ClinVar aggregate classification (germline): Uncertain significance (1 of 4 stars; one submission).

Allele frequency attached by ClinVar (database versions not stated): gnomAD 0.00001; gnomAD exomes 0.00001; ExAC 0.00002; TOPMed 0.00003; ESP Exome Variant Server 0.00015.
gnomAD v4.1: 15 of 1,598,648 alleles (0.00094%); highest among the groups gnomAD compares: Non-Finnish European, 0.00051%; no homozygotes.

Submission:

Ambry Genetics
Classification: Uncertain significance. Last evaluated: 2023-01-30. Review status: criteria provided, single submitter. Criteria: Ambry Variant Classification Scheme 2023. Collection method: clinical testing. Allele origin: germline.
Comment: The p.A2409S variant (also known as c.7225G>T), located in coding exon 26 of the POLQ gene, results from a G to T substitution at nucleotide position 7225. The alanine at codon 2409 is replaced by serine, an amino acid with similar properties. This amino acid position is conserved. In addition, this alteration is predicted to be deleterious by in silico analysis. Since supporting evidence is limited at this time, the clinical significance of this alteration remains unclear.

NM_199420.4(POLQ):c.7225G>T (p.Ala2409Ser)

Gene: POLQ (DNA polymerase theta; minus strand). Cytogenetic location: 3q13.33.
Variant type: single nucleotide variant.
Coding change: c.7225G>T on transcript NM_199420.4 (MANE Select); coding-DNA position 7225, G replaced by T.
Protein change: p.Ala2409Ser; replaces alanine 2409 with serine.
Molecular consequence: missense variant.
Genome position (GRCh38, 1-based): chr3:121,449,354, C>A on the plus strand (G>T on the coding strand, the complement: POLQ is on the minus strand). VCF-style: chr3-121449354-C-A. GRCh37 (hg19) VCF-style: chr3-121168201-C-A.
Other names: short protein forms A2409S.
Identifiers: ClinVar variation 2448761 (VCV002448761.2), dbSNP rs201599520, ClinGen allele CA2562243.